The following is an entry in ClinVar:

ClinVar aggregate classification (germline): Uncertain significance (1 of 4 stars; one submission).

Allele frequency attached by ClinVar (database versions not stated): TOPMed below 0.00001.

Submission:

Labcorp Genetics (formerly Invitae), Labcorp
Classification: Uncertain significance. Last evaluated: 2023-09-18. Review status: criteria provided, single submitter. Criteria: Invitae Variant Classification Sherloc (09022015). Collection method: clinical testing. Allele origin: germline.
Comment: This sequence change replaces valine, which is neutral and non-polar, with leucine, which is neutral and non-polar, at codon 157 of the NEFH protein (p.Val157Leu). This variant is not present in population databases (gnomAD no frequency). This variant has not been reported in the literature in individuals affected with NEFH-related conditions. Advanced modeling of protein sequence and biophysical properties (such as structural, functional, and spatial information, amino acid conservation, physicochemical variation, residue mobility, and thermodynamic stability) performed at Invitae indicates that this missense variant is not expected to disrupt NEFH protein function. In summary, the available evidence is currently insufficient to determine the role of this variant in disease. Therefore, it has been classified as a Variant of Uncertain Significance.

NM_021076.4(NEFH):c.469G>C (p.Val157Leu)

Gene: NEFH (neurofilament heavy chain; plus strand). Cytogenetic location: 22q12.2.
Variant type: single nucleotide variant.
Coding change: c.469G>C on transcript NM_021076.4 (MANE Select); coding-DNA position 469, G replaced by C.
Protein change: p.Val157Leu; replaces valine 157 with leucine.
Molecular consequence: missense variant.
Genome position (GRCh38, 1-based): chr22:29,480,731, G>C. VCF-style: chr22-29480731-G-C. GRCh37 (hg19) VCF-style: chr22-29876720-G-C.
Other names: short protein forms V157L.
Identifiers: ClinVar variation 2970792 (VCV002970792.3), dbSNP rs2063000199, ClinGen allele CA411122922.
Genomic context (GRCh38, chr22:29,480,731, plus strand): 5'-GCGGGCCGCTCCGCTATGGGCGAGCTGTACGAGCGCGAGGTCCGCGAGATGCGCGGCGCG[G>C]TGCTGCGCCTGGGCGCGGCGCGCGGTCAGCTACGCCTGGAGCAGGAGCACCTGCTCGAGG-3'
Protein context (NP_066554.2, residues 147-167): EREVREMRGA[Val157Leu]LRLGAARGQL